The following is an entry in ClinVar:

NM_017415.3(KLHL3):c.-256T>A

Gene: KLHL3 (kelch like family member 3; minus strand). Cytogenetic location: 5q31.2.
Variant type: single nucleotide variant.
Coding change: c.-256T>A on transcript NM_017415.3 (MANE Select); 256 bases upstream of the start codon, T replaced by A.
Molecular consequence: 5 prime UTR variant.
Genome position (GRCh38, 1-based): chr5:137,735,902, A>T on the plus strand (T>A on the coding strand, the complement: KLHL3 is on the minus strand). VCF-style: chr5-137735902-A-T. GRCh37 (hg19) VCF-style: chr5-137071591-A-T.
Identifiers: ClinVar variation 350998 (VCV000350998.6), dbSNP rs182320171, ClinGen allele CA10620238.

ClinVar aggregate classification (germline): Benign (1 of 4 stars; one submission).

Conditions:
Pseudohypoaldosteronism type 2D (PHA2D). Also called: FAMILIAL HYPERKALEMIC HYPERTENSION; PSEUDOHYPOALDOSTERONISM, TYPE IID, AUTOSOMAL DOMINANT OR RECESSIVE; Pseudohypoaldosteronism Type IID. Identifiers: Orphanet 300525, Orphanet 757, MedGen C3469605, MONDO:0013781, OMIM 614495.

Allele frequency attached by ClinVar (database versions not stated): 1000 Genomes Project 0.00060; 1000 Genomes Project 30x 0.00062; TOPMed 0.00109; gnomAD 0.00134 and 0.00140; gnomAD exomes 0.00149.
gnomAD v4.1: 809 of 554,918 alleles (0.15%); highest among the groups gnomAD compares: Middle Eastern, 0.39%; 2 homozygotes.

Submission:

Illumina Laboratory Services, Illumina
Classification: Benign for Pseudohypoaldosteronism type 2D. Last evaluated: 2018-01-13. Review status: criteria provided, single submitter. Criteria: ICSL Variant Classification Criteria 13 December 2019. Collection method: clinical testing. Allele origin: germline.
Comment: This variant was observed in the ICSL laboratory as part of a predisposition screen in an ostensibly healthy population. It had not been previously curated by ICSL or reported in the Human Gene Mutation Database (HGMD: prior to June 1st, 2018), and was therefore a candidate for classification through an automated scoring system. Utilizing variant allele frequency, disease prevalence and penetrance estimates, and inheritance mode, an automated score was calculated to assess if this variant is too frequent to cause the disease. Based on the score and internal cut-off values, a variant classified as benign is not then subjected to further curation. The score for this variant resulted in a classification of benign for this disease.